The following is an entry in ClinVar:

ClinVar aggregate classification (germline): Likely pathogenic (1 of 4 stars; one submission).

Conditions:
Dias-Logan syndrome. Also called: INTELLECTUAL DEVELOPMENTAL DISORDER WITH HEREDITARY PERSISTENCE OF FETAL HEMOGLOBIN; Intellectual developmental disorder with persistence of fetal hemoglobin. Identifiers: Orphanet 619233, MedGen C4310833, MONDO:0014914, OMIM 617101.

Submission:

CGC Genetics, Unilabs
Classification: Likely pathogenic for Dias-Logan syndrome. Last evaluated: 2025-11-11. Review status: criteria provided, single submitter. Criteria: ACMG Guidelines, 2015. Collection method: clinical testing. Allele origin: germline. Inheritance: Autosomal dominant inheritance. Affected: yes. Observed: 1 variant allele.
Comment: The NM_022893.4:c.1706_1713del p.(Lys569Thrfs*32) variant, detected in heterozygosity in the BCL11A gene, has not been reported in the literature or in the gnomAD/ClinVar databases. This is a frameshift variant located in exon 4 (of 4), which introduces a premature stop codon, predicted to result in the production of a truncated protein and/or reduced expression due to mRNA degradation. Based on the currently available evidence, this variant should be classified as likely pathogenic.

NM_022893.4(BCL11A):c.1706_1713del (p.Lys569fs)

Gene: BCL11A (BCL11 transcription factor A; minus strand). Cytogenetic location: 2p16.1.
Variant type: Deletion.
Coding change: c.1706_1713del on transcript NM_022893.4 (MANE Select); coding-DNA positions 1706 to 1713, 8 bases deleted (AGCATAAG; older notation c.1706_1713delAGCATAAG).
Protein change: p.Lys569fs; shifts the reading frame from lysine 569.
Molecular consequence: frameshift variant. On other transcripts: intron variant (6).
Genome position (GRCh38, 1-based): chr2:60,461,199-60,461,206, CTTATGCT deleted on the plus strand (AGCATAAG on the coding strand, the reverse complement: BCL11A is on the minus strand). VCF-style (leftmost placement, unchanged base first): chr2-60461198-GCTTATGCT-G. GRCh37 (hg19) VCF-style: chr2-60688333-GCTTATGCT-G.
Other names: c.1604_1611del, p.Lys535fs (NM_001363864.1, NM_001365609.1, NM_001405711.1 and 2 more transcripts); c.1706_1713del, p.Lys569fs (NM_001405708.1, NM_001405709.1, NM_001405710.1 and 1 more transcripts); c.1550_1557del, p.Lys517fs (NM_001405713.1, NM_001405714.1, NM_001405715.1 and 3 more transcripts); c.1448_1455del, p.Lys483fs (NM_001405717.1, NM_001405718.1, NM_001405724.1); c.1373_1380del, p.Lys458fs (NM_001405720.1, NM_001405721.1); c.1250_1257del, p.Lys417fs (NM_001405725.1, NM_001405726.1, NM_001405727.1 and 1 more transcripts); c.1013_1020del, p.Lys338fs (NM_001405729.1); c.1169_1176del, p.Lys390fs (NM_001405730.1); and 5 more; short protein forms K238fs, K338fs, K390fs, K417fs, K458fs, K483fs, K517fs, K535fs.
Identifiers: ClinVar variation 4851592 (VCV004851592.1).
Genomic context (GRCh38, chr2:60,461,198, plus strand): 5'-CGGCCACCGAGTCTTCGTCGCAAGTGTCCCTGTGGCCCTCGGCCTCGGCCAGGTGGCCGC[GCTTATGCT>G]TCTCGCCCAGGACCTGGTGGAAGGCCTCGCTGAAGTGCTGCATGGAGCTGAGCACCATGC-3'